The following is an entry in ClinVar:

NM_003737.4(DCHS1):c.7433A>G (p.His2478Arg)

Gene: DCHS1 (dachsous cadherin-related 1; minus strand). Cytogenetic location: 11p15.4.
Variant type: single nucleotide variant.
Coding change: c.7433A>G on transcript NM_003737.4 (MANE Select); coding-DNA position 7433, A replaced by G.
Protein change: p.His2478Arg; replaces histidine 2478 with arginine.
Molecular consequence: missense variant.
Genome position (GRCh38, 1-based): chr11:6,624,243, T>C on the plus strand (A>G on the coding strand, the complement: DCHS1 is on the minus strand). VCF-style: chr11-6624243-T-C. GRCh37 (hg19) VCF-style: chr11-6645474-T-C.
Other names: short protein forms H2478R.
Identifiers: ClinVar variation 4527799 (VCV004527799.1).

ClinVar aggregate classification (germline): Uncertain significance (1 of 4 stars; one submission).

gnomAD v4.1: 24 of 1,612,404 alleles (0.0015%); highest among the groups gnomAD compares: Non-Finnish European, 0.002%; no homozygotes.

Submission:

GeneDx
Classification: Uncertain significance. Last evaluated: 2025-04-28. Review status: criteria provided, single submitter. Criteria: GeneDx Variant Classification Process June 2021. Collection method: clinical testing. Allele origin: germline. Affected: yes.
Comment: Not observed at significant frequency in large population cohorts (gnomAD); In silico analysis supports that this missense variant has a deleterious effect on protein structure/function; Has not been previously published as pathogenic or benign to our knowledge